The following is an entry in ClinVar:

ClinVar aggregate classification (germline): Likely pathogenic (1 of 4 stars; one submission).

Conditions:
Immunodeficiency 19 (IMD19). Also called: IMMUNODEFICIENCY 19, SEVERE COMBINED; CD3-DELTA DEFICIENCY; SEVERE COMBINED IMMUNODEFICIENCY, T CELL-NEGATIVE, B CELL-POSITIVE, NK CELL-POSITIVE; SCID, T CELL-NEGATIVE, B CELL-POSITIVE, NK CELL-POSITIVE. Identifiers: MedGen C3810147, MONDO:0014280, OMIM 615617.

Submission:

Labcorp Genetics (formerly Invitae), Labcorp
Classification: Likely pathogenic for Immunodeficiency 19. Last evaluated: 2022-11-08. Review status: criteria provided, single submitter. Criteria: Invitae Variant Classification Sherloc (09022015). Collection method: clinical testing. Allele origin: germline.
Comment: In summary, the currently available evidence indicates that the variant is pathogenic, but additional data are needed to prove that conclusively. Therefore, this variant has been classified as Likely Pathogenic. Algorithms developed to predict the effect of sequence changes on RNA splicing suggest that this variant may disrupt the consensus splice site. ClinVar contains an entry for this variant (Variation ID: 1508408). This variant has not been reported in the literature in individuals affected with CD3D-related conditions. This variant is not present in population databases (gnomAD no frequency). This sequence change affects an acceptor splice site in intron 3 of the CD3D gene. It is expected to disrupt RNA splicing. Variants that disrupt the donor or acceptor splice site typically lead to a loss of protein function (PMID: 16199547), and loss-of-function variants in CD3D are known to be pathogenic (PMID: 14602880, 15546002).

Literature cited by the submitters: PubMed 16199547; PubMed 14602880; PubMed 15546002.

NM_000732.6(CD3D):c.407-1G>A

Gene: CD3D (CD3 delta subunit of T-cell receptor complex; minus strand). Cytogenetic location: 11q23.3.
Variant type: single nucleotide variant.
Coding change: c.407-1G>A on transcript NM_000732.6 (MANE Select); the canonical splice acceptor site of the intron before coding-DNA position 407, G replaced by A.
Molecular consequence: splice acceptor variant.
Genome position (GRCh38, 1-based): chr11:118,339,495, C>T on the plus strand (G>A on the coding strand, the complement: CD3D is on the minus strand). VCF-style: chr11-118339495-C-T. GRCh37 (hg19) VCF-style: chr11-118210210-C-T.
Other names: c.275-1G>A (NM_001040651.2).
Identifiers: ClinVar variation 1508408 (VCV001508408.6), dbSNP rs2134058885, ClinGen allele CA382787968.